The following is an entry in ClinVar:

ClinVar aggregate classification (germline): Uncertain significance (1 of 4 stars; one submission).

gnomAD v4.1: 10 of 1,614,246 alleles (0.00062%); highest among the groups gnomAD compares: Middle Eastern, 0.049%; no homozygotes.

Submission:

Labcorp Genetics (formerly Invitae), Labcorp
Classification: Uncertain significance. Last evaluated: 2025-08-30. Review status: criteria provided, single submitter. Criteria: Invitae Variant Classification Sherloc (09022015). Collection method: clinical testing. Allele origin: germline.
Comment: This sequence change replaces serine, which is neutral and polar, with proline, which is neutral and non-polar, at codon 425 of the ALPK1 protein (p.Ser425Pro). This variant is not present in population databases (gnomAD no frequency). This variant has not been reported in the literature in individuals affected with ALPK1-related conditions. ClinVar contains an entry for this variant (Variation ID: 2889738). Invitae Evidence Modeling of protein sequence and biophysical properties (such as structural, functional, and spatial information, amino acid conservation, physicochemical variation, residue mobility, and thermodynamic stability) indicates that this missense variant is not expected to disrupt ALPK1 protein function with a negative predictive value of 80%. In summary, the available evidence is currently insufficient to determine the role of this variant in disease. Therefore, it has been classified as a Variant of Uncertain Significance.

NM_025144.4(ALPK1):c.1273T>C (p.Ser425Pro)

Gene: ALPK1 (alpha kinase 1; plus strand). Cytogenetic location: 4q25.
Variant type: single nucleotide variant.
Coding change: c.1273T>C on transcript NM_025144.4 (MANE Select); coding-DNA position 1273, T replaced by C.
Protein change: p.Ser425Pro; replaces serine 425 with proline.
Molecular consequence: missense variant.
Genome position (GRCh38, 1-based): chr4:112,430,820, T>C. VCF-style: chr4-112430820-T-C. GRCh37 (hg19) VCF-style: chr4-113351976-T-C.
Other names: c.1273T>C, p.Ser425Pro (NM_001102406.2); c.1039T>C, p.Ser347Pro (NM_001253884.2); short protein forms S347P, S425P.
Identifiers: ClinVar variation 2889738 (VCV002889738.3), dbSNP rs774851390, ClinGen allele CA103762849.
Genomic context (GRCh38, chr4:112,430,820, plus strand): 5'-TCTCAAGAAGTTATGTCTGTGATTGCCCAGGTGAAGGAACATTTACAAGTTCAAAGCTTC[T>C]CAAATGTAGATGACAGATCTTATGTTCCCGAGAGTTTCGAGTGCAGGTTGGATAAACTTA-3'
Protein context (NP_079420.3, residues 415-435): VKEHLQVQSF[Ser425Pro]NVDDRSYVPE